The following is an entry in ClinVar:

NM_003327.4(TNFRSF4):c.767G>C (p.Gly256Ala)

Gene: TNFRSF4 (TNF receptor superfamily member 4; minus strand). Cytogenetic location: 1p36.33.
Variant type: single nucleotide variant.
Coding change: c.767G>C on transcript NM_003327.4 (MANE Select); coding-DNA position 767, G replaced by C.
Protein change: p.Gly256Ala; replaces glycine 256 with alanine.
Molecular consequence: missense variant.
Genome position (GRCh38, 1-based): chr1:1,211,622, C>G on the plus strand (G>C on the coding strand, the complement: TNFRSF4 is on the minus strand). VCF-style: chr1-1211622-C-G. GRCh37 (hg19) VCF-style: chr1-1147002-C-G.
Other names: short protein forms G256A.
Identifiers: ClinVar variation 1038803 (VCV001038803.8), dbSNP rs1649106016, ClinGen allele CA337798422.

ClinVar aggregate classification (germline): Uncertain significance (1 of 4 stars; one submission).

Conditions:
Combined immunodeficiency due to OX40 deficiency. Also called: Immunodeficiency 16; OX40 DEFICIENCY. Identifiers: Orphanet 431149, MedGen C3810053, MONDO:0014268, OMIM 615593.

Submission:

Labcorp Genetics (formerly Invitae), Labcorp
Classification: Uncertain significance for Combined immunodeficiency due to OX40 deficiency. Last evaluated: 2020-09-15. Review status: criteria provided, single submitter. Criteria: Invitae Variant Classification Sherloc (09022015). Collection method: clinical testing. Allele origin: germline.
Comment: This variant is not present in population databases (ExAC no frequency). This sequence change replaces glycine with alanine at codon 256 of the TNFRSF4 protein (p.Gly256Ala). The glycine residue is moderately conserved and there is a small physicochemical difference between glycine and alanine. This variant has not been reported in the literature in individuals with TNFRSF4-related conditions. In summary, the available evidence is currently insufficient to determine the role of this variant in disease. Therefore, it has been classified as a Variant of Uncertain Significance. Algorithms developed to predict the effect of missense changes on protein structure and function output the following: SIFT: "Tolerated"; PolyPhen-2: "Benign"; Align-GVGD: "Class C0". The alanine amino acid residue is found in multiple mammalian species, suggesting that this missense change does not adversely affect protein function. These predictions have not been confirmed by published functional studies and their clinical significance is uncertain.